The following is an entry in ClinVar:

NM_016373.4(WWOX):c.688C>G (p.Gln230Glu)

Gene: WWOX (WW domain containing oxidoreductase; plus strand). Cytogenetic location: 16q23.1.
Variant type: single nucleotide variant.
Coding change: c.688C>G on transcript NM_016373.4 (MANE Select); coding-DNA position 688, C replaced by G.
Protein change: p.Gln230Glu; replaces glutamine 230 with glutamic acid.
Molecular consequence: missense variant.
Genome position (GRCh38, 1-based): chr16:78,424,952, C>G. VCF-style: chr16-78424952-C-G. GRCh37 (hg19) VCF-style: chr16-78458849-C-G.
Other names: c.349C>G, p.Gln117Glu (NM_001291997.2); short protein forms Q230E, Q117E.
Identifiers: ClinVar variation 393032 (VCV000393032.7), dbSNP rs1057524749, ClinGen allele CA16608276.

ClinVar aggregate classification (germline): Uncertain significance. Review status: criteria provided, multiple submitters, no conflicts (2 of 4 stars). 2 submissions from 2 submitters: Uncertain significance (2). Last evaluated 2024-11-18.

Conditions:
Autosomal recessive spinocerebellar ataxia 12. Also called: SPINOCEREBELLAR ATAXIA WITH MENTAL RETARDATION AND EPILEPSY. Identifiers: Orphanet 284282, MedGen C3280452, MONDO:0013687, OMIM 614322.
Developmental and epileptic encephalopathy, 1 (DEE1). Also called: X-linked infantile spasms; West's syndrome; Tonic spasms with clustering, arrest of psychomotor development and hypsarrhythmia on EEG; X-Linked Infantile Spasm Syndrome; OHTAHARA SYNDROME, X-LINKED; Epileptic encephalopathy, early infantile, 1. Identifiers: MedGen C3463992, MONDO:0010632, OMIM 308350. Disease mechanism: loss of function.

Allele frequency attached by ClinVar (database versions not stated): gnomAD exomes below 0.00001; gnomAD 0.00001.
gnomAD v4.1: 4 of 1,614,148 alleles (0.00025%); highest among the groups gnomAD compares: East Asian, 0.0045%; no homozygotes.

Submissions (2):

Labcorp Genetics (formerly Invitae), Labcorp
Classification: Uncertain significance for Developmental and epileptic encephalopathy, 1; Autosomal recessive spinocerebellar ataxia 12. Last evaluated: 2024-11-18. Review status: criteria provided, single submitter. Criteria: Invitae Variant Classification Sherloc (09022015). Collection method: clinical testing. Allele origin: germline.
Comment: This sequence change replaces glutamine, which is neutral and polar, with glutamic acid, which is acidic and polar, at codon 230 of the WWOX protein (p.Gln230Glu). This variant is not present in population databases (gnomAD no frequency). This variant has not been reported in the literature in individuals affected with WWOX-related conditions. ClinVar contains an entry for this variant (Variation ID: 393032). Invitae Evidence Modeling of protein sequence and biophysical properties (such as structural, functional, and spatial information, amino acid conservation, physicochemical variation, residue mobility, and thermodynamic stability) has been performed for this missense variant. However, the output from this modeling did not meet the statistical confidence thresholds required to predict the impact of this variant on WWOX protein function. This variant disrupts the p.Gln230 amino acid residue in WWOX. Other variant(s) that disrupt this residue have been determined to be pathogenic (PMID: 29808465, 30356099, 30853297). This suggests that this residue is clinically significant, and that variants that disrupt this residue are likely to be disease-causing. In summary, the available evidence is currently insufficient to determine the role of this variant in disease. Therefore, it has been classified as a Variant of Uncertain Significance.

GeneDx
Classification: Uncertain significance. Last evaluated: 2020-12-14. Review status: criteria provided, single submitter. Criteria: GeneDx Variant Classification Process June 2021. Collection method: clinical testing. Allele origin: germline. Affected: yes.
Comment: Not observed in large population cohorts (Lek et al., 2016); In silico analysis supports that this missense variant does not alter protein structure/function; Has not been previously published as pathogenic or benign to our knowledge

Literature cited by the submitters: PubMed 29808465 (cited by Labcorp Genetics (formerly Invitae), Labcorp); PubMed 30356099 (cited by Labcorp Genetics (formerly Invitae), Labcorp); PubMed 30853297 (cited by Labcorp Genetics (formerly Invitae), Labcorp).